The following is an entry in ClinVar:

ClinVar aggregate classification (germline): Uncertain significance (1 of 4 stars; one submission).

Allele frequency attached by ClinVar (database versions not stated): gnomAD exomes below 0.00001; TOPMed 0.00001.

Submission:

GeneDx
Classification: Uncertain significance. Last evaluated: 2026-04-21. Review status: criteria provided, single submitter. Criteria: GeneDx Variant Classification Process June 2021. Collection method: clinical testing. Allele origin: germline.
Comment: Not observed at significant frequency in large population cohorts (gnomAD); In silico analysis supports that this missense variant has a deleterious effect on protein structure/function; Has not been previously published as pathogenic or benign to our knowledge

NM_005629.4(SLC6A8):c.1693G>A (p.Ala565Thr)

Gene: SLC6A8 (solute carrier family 6 member 8; plus strand). Cytogenetic location: Xq28.
Variant type: single nucleotide variant.
Coding change: c.1693G>A on transcript NM_005629.4 (MANE Select); coding-DNA position 1693, G replaced by A.
Protein change: p.Ala565Thr; replaces alanine 565 with threonine.
Molecular consequence: missense variant.
Genome position (GRCh38, 1-based): chrX:153,694,815, G>A. VCF-style: chrX-153694815-G-A. GRCh37 (hg19) VCF-style: chrX-152960270-G-A.
Other names: c.1663G>A, p.Ala555Thr (NM_001142805.2); c.1348G>A, p.Ala450Thr (NM_001142806.1); short protein forms A450T, A555T, A565T.
Identifiers: ClinVar variation 2579914 (VCV002579914.2), dbSNP rs1557045723, ClinGen allele CA415090872.